The following is an entry in ClinVar:

NM_001365276.2(TNXB):c.2812G>A (p.Asp938Asn)

Gene: TNXB (tenascin XB; minus strand). Cytogenetic location: 6p21.33.
Variant type: single nucleotide variant.
Coding change: c.2812G>A on transcript NM_001365276.2 (MANE Select); coding-DNA position 2812, G replaced by A.
Protein change: p.Asp938Asn; replaces aspartic acid 938 with asparagine.
Molecular consequence: missense variant.
Genome position (GRCh38, 1-based): chr6:32,086,086, C>T on the plus strand (G>A on the coding strand, the complement: TNXB is on the minus strand). VCF-style: chr6-32086086-C-T. GRCh37 (hg19) VCF-style: chr6-32053863-C-T.
Other names: c.3553G>A, p.Asp1185Asn (NM_001428335.1); c.2812G>A, p.Asp938Asn (NM_019105.8); short protein forms D938N, D1185N.
Identifiers: ClinVar variation 3809346 (VCV003809346.1).

ClinVar aggregate classification (germline): Uncertain significance (1 of 4 stars; one submission).

Conditions:
Cardiovascular phenotype. Identifiers: MedGen CN230736.

gnomAD v4.1: 9 of 1,563,666 alleles (0.00058%); highest among the groups gnomAD compares: South Asian, 0.0047%; no homozygotes.

Submission:

Ambry Genetics
Classification: Uncertain significance for Cardiovascular phenotype. Last evaluated: 2025-01-31. Review status: criteria provided, single submitter. Criteria: Ambry Variant Classification Scheme 2023. Collection method: clinical testing. Allele origin: germline.
Comment: The p.D938N variant (also known as c.2812G>A), located in coding exon 6 of the TNXB gene, results from a G to A substitution at nucleotide position 2812. The aspartic acid at codon 938 is replaced by asparagine, an amino acid with highly similar properties. This amino acid position is conserved. In addition, this alteration is predicted to be tolerated by in silico analysis. Based on the available evidence, the clinical significance of this variant remains unclear.